The following is an entry in ClinVar:

NM_016222.4(DDX41):c.645-8C>T

Gene: DDX41 (DEAD-box helicase 41; minus strand). Cytogenetic location: 5q35.3.
Variant type: single nucleotide variant.
Coding change: c.645-8C>T on transcript NM_016222.4 (MANE Select); 8 bases into the intron before coding-DNA position 645, C replaced by T.
Molecular consequence: intron variant.
Genome position (GRCh38, 1-based): chr5:177,515,077, G>A on the plus strand (C>T on the coding strand, the complement: DDX41 is on the minus strand). VCF-style: chr5-177515077-G-A. GRCh37 (hg19) VCF-style: chr5-176942078-G-A.
Other names: c.267-8C>T (NM_001321830.2, NM_001321732.2); c.645-8C>T (NM_016222.3).
Identifiers: ClinVar variation 2810708 (VCV002810708.5), dbSNP rs2532085091, ClinGen allele CA2578499446.

ClinVar aggregate classification (germline): Likely benign. Review status: criteria provided, single submitter (1 of 4 stars). 2 submissions from 2 submitters: Likely benign (1). 1 of the submissions does not count toward it. Last evaluated 2024-06-20.

Conditions:
DDX41-related disorder. Also called: DDX41-related condition.

Allele frequency attached by ClinVar (database versions not stated): gnomAD exomes below 0.00001.
gnomAD v4.1: 1 of 1,612,178 alleles (0.000062%); highest among the groups gnomAD compares: Non-Finnish European, 0.000085%; no homozygotes.

Submissions (2):

Labcorp Genetics (formerly Invitae), Labcorp
Classification: Likely benign. Last evaluated: 2024-06-20. Review status: criteria provided, single submitter. Criteria: Invitae Variant Classification Sherloc (09022015). Collection method: clinical testing. Allele origin: germline.

PreventionGenetics, part of Exact Sciences
Classification: Likely benign for DDX41-related condition. Last evaluated: 2021-11-10. Review status: no assertion criteria provided. Collection method: clinical testing. Allele origin: germline. Not counted in ClinVar's aggregate classification.
Comment: This variant is classified as likely benign based on ACMG/AMP sequence variant interpretation guidelines (Richards et al. 2015 PMID: 25741868, with internal and published modifications).